The following is an entry in ClinVar:

NM_000255.4(MMUT):c.1092C>A (p.Tyr364Ter)

Gene: MMUT (methylmalonyl-CoA mutase; minus strand). Cytogenetic location: 6p12.3.
Variant type: single nucleotide variant.
Coding change: c.1092C>A on transcript NM_000255.4 (MANE Select); coding-DNA position 1092, C replaced by A.
Protein change: p.Tyr364Ter; replaces tyrosine 364 with a stop codon.
Molecular consequence: nonsense.
Genome position (GRCh38, 1-based): chr6:49,451,706, G>T on the plus strand (C>A on the coding strand, the complement: MMUT is on the minus strand). VCF-style: chr6-49451706-G-T. GRCh37 (hg19) VCF-style: chr6-49419419-G-T.
Other names: short protein forms Y364*.
Identifiers: ClinVar variation 1723998 (VCV001723998.2), dbSNP rs761129296, ClinGen allele CA364399180.

ClinVar aggregate classification (germline): Likely pathogenic (1 of 4 stars; one submission).

Conditions:
Methylmalonic aciduria due to methylmalonyl-CoA mutase deficiency (MAMM). Also called: Methylmalonic aciduria, mut type. Identifiers: Orphanet 27, MedGen C1855114, MONDO:0009612, OMIM 251000.

Submission:

Myriad Genetics, Inc.
Classification: Likely pathogenic for Methylmalonic aciduria due to methylmalonyl-CoA mutase deficiency. Last evaluated: 2021-11-02. Review status: criteria provided, single submitter. Criteria: Myriad Women's Health Autosomal Recessive and X-Linked Classification Criteria (2021). Collection method: clinical testing. Allele origin: unknown.
Comment: NM_000255.3(MMUT):c.1092C>A(Y364*) is expected to be pathogenic in the context of methylmalonic acidemia, MMUT-related. This variant is predicted to lead to an abnormal or absent protein product due to the creation of a premature termination codon in MMUT, a gene where loss-of-function variants are known to be pathogenic. Please note: this variant was assessed in the context of healthy population screening.